The following is an entry in ClinVar:

NM_018557.3(LRP1B):c.11517C>A (p.Asn3839Lys)

Gene: LRP1B (LDL receptor related protein 1B; minus strand). Cytogenetic location: 2q22.1.
Variant type: single nucleotide variant.
Coding change: c.11517C>A on transcript NM_018557.3 (MANE Select); coding-DNA position 11517, C replaced by A.
Protein change: p.Asn3839Lys; replaces asparagine 3839 with lysine.
Molecular consequence: missense variant.
Genome position (GRCh38, 1-based): chr2:140,356,355, G>T on the plus strand (C>A on the coding strand, the complement: LRP1B is on the minus strand). VCF-style: chr2-140356355-G-T. GRCh37 (hg19) VCF-style: chr2-141113924-G-T.
Other names: short protein forms N3839K.
Identifiers: ClinVar variation 729516 (VCV000729516.5), dbSNP rs185628679, ClinGen allele CA1893067.

ClinVar aggregate classification (germline): Benign. Review status: criteria provided, single submitter (1 of 4 stars). 2 submissions from 2 submitters: Benign (1). 1 of the submissions does not count toward it. Last evaluated 2018-03-29.

Conditions:
LRP1B-related disorder. Also called: LRP1B-related condition.

Allele frequency attached by ClinVar (database versions not stated): ESP Exome Variant Server 0.00008; gnomAD exomes 0.00022 and 0.00105; TOPMed 0.00051; ExAC 0.00085; 1000 Genomes Project 30x 0.00172; 1000 Genomes Project 0.00200.
gnomAD v4.1: 412 of 1,610,764 alleles (0.026%); highest among the groups gnomAD compares: East Asian, 0.8%; 1 homozygote.

Submissions (2):

Labcorp Genetics (formerly Invitae), Labcorp
Classification: Benign. Last evaluated: 2018-03-29. Review status: criteria provided, single submitter. Criteria: Invitae Variant Classification Sherloc (09022015). Collection method: clinical testing. Allele origin: germline.

PreventionGenetics, part of Exact Sciences
Classification: Benign for LRP1B-related condition. Last evaluated: 2019-12-06. Review status: no assertion criteria provided. Collection method: clinical testing. Allele origin: germline. Not counted in ClinVar's aggregate classification.
Comment: This variant is classified as benign based on ACMG/AMP sequence variant interpretation guidelines (Richards et al. 2015 PMID: 25741868, with internal and published modifications).